The following is an entry in ClinVar:

NM_001276270.2(MBD4):c.661G>A (p.Asp221Asn)

Gene: MBD4 (methyl-CpG binding domain 4, DNA glycosylase; minus strand). Cytogenetic location: 3q21.3.
Variant type: single nucleotide variant.
Coding change: c.661G>A on transcript NM_001276270.2 (MANE Select); coding-DNA position 661, G replaced by A.
Protein change: p.Asp221Asn; replaces aspartic acid 221 with asparagine.
Molecular consequence: missense variant. On other transcripts: intron variant (1).
Genome position (GRCh38, 1-based): chr3:129,436,983, C>T on the plus strand (G>A on the coding strand, the complement: MBD4 is on the minus strand). VCF-style: chr3-129436983-C-T. GRCh37 (hg19) VCF-style: chr3-129155826-C-T.
Other names: c.661G>A, p.Asp221Asn (NM_001276271.2, NM_001276272.2, NM_003925.3); c.247+825G>A (NM_001276273.2); short protein forms D221N.
Identifiers: ClinVar variation 4052186 (VCV004052186.2).

ClinVar aggregate classification (germline): Conflicting classifications of pathogenicity. Review status: criteria provided, conflicting classifications (1 of 4 stars). 2 submissions from 2 submitters: Uncertain significance (1); Likely benign (1). Last evaluated 2025-10-12.

Conditions:
Inborn genetic diseases. Identifiers: MedGen C0950123, MeSH D030342.

Submissions (2):

Labcorp Genetics (formerly Invitae), Labcorp
Classification: Uncertain significance. Last evaluated: 2025-10-12. Review status: criteria provided, single submitter. Criteria: Invitae Variant Classification Sherloc (09022015). Collection method: clinical testing. Allele origin: germline.
Comment: This sequence change replaces aspartic acid, which is acidic and polar, with asparagine, which is neutral and polar, at codon 221 of the MBD4 protein (p.Asp221Asn). This variant is not present in population databases (gnomAD no frequency). This variant has not been reported in the literature in individuals affected with MBD4-related conditions. ClinVar contains an entry for this variant (Variation ID: 4052186). An algorithm developed to predict the effect of missense changes on protein structure and function outputs the following: PolyPhen-2: "Benign". The asparagine amino acid residue is found in multiple mammalian species, which suggests that this missense change does not adversely affect protein function. In summary, the available evidence is currently insufficient to determine the role of this variant in disease. Therefore, it has been classified as a Variant of Uncertain Significance.

Ambry Genetics
Classification: Likely benign for Inborn genetic diseases. Last evaluated: 2025-04-03. Review status: criteria provided, single submitter. Criteria: Ambry Variant Classification Scheme 2023. Collection method: clinical testing. Allele origin: germline.